The following is an entry in ClinVar:

ClinVar aggregate classification (germline): Conflicting classifications of pathogenicity. Review status: criteria provided, conflicting classifications (1 of 4 stars). 16 submissions from 12 submitters: Uncertain significance (4); Benign (2); Likely benign (6). 4 of the submissions do not count toward it. Last evaluated 2026-01-18.

Conditions:
Cardiovascular phenotype. Identifiers: MedGen CN230736.
Myopathy, myofibrillar, 9, with early respiratory failure (MFM9). Also called: Myopathy, distal, with early respiratory failure, autosomal dominant; EDSTROM MYOPATHY; Hereditary myopathy with early respiratory failure; MYOPATHY, PROXIMAL, WITH EARLY RESPIRATORY MUSCLE INVOLVEMENT. Identifiers: Orphanet 178464, Orphanet 34521, MedGen C1863599, MONDO:0011362, OMIM 603689.
Tibial muscular dystrophy (TMD). Also called: Udd Distal Myopathy – Tibial Muscular Dystrophy; UDD MYOPATHY; Tibial muscular dystrophy, tardive. Identifiers: Orphanet 609, MedGen C1838244, MONDO:0010870, OMIM 600334.
TTN-related disorder. Also called: TTN-related condition; TTN-related disease; TTN-related disorders.
Dilated cardiomyopathy 1G (CMD1G). Identifiers: Orphanet 154, MedGen C1858763, MONDO:0011400, OMIM 604145.
Autosomal recessive limb-girdle muscular dystrophy type 2J (LGMDR10). Also called: MUSCULAR DYSTROPHY, LIMB-GIRDLE, AUTOSOMAL RECESSIVE 10; Limb-girdle muscular dystrophy, type 2J. Identifiers: Orphanet 140922, MedGen C1837342, MONDO:0012127, OMIM 608807.
Early-onset myopathy with fatal cardiomyopathy (CMYO5). Also called: CONGENITAL MYOPATHY 5 WITH CARDIOMYOPATHY; Salih Myopathy. Identifiers: Orphanet 289377, MedGen C2673677, MONDO:0012714, OMIM 611705. Disease mechanism: loss of function.

Allele frequency attached by ClinVar (database versions not stated): TOPMed 0.00002; gnomAD 0.00007.
gnomAD v4.1: 77 of 1,613,806 alleles (0.0048%); highest among the groups gnomAD compares: Admixed American, 0.0083%; no homozygotes.

Submissions (16):

Labcorp Genetics (formerly Invitae), Labcorp
Classification: Likely benign for Dilated cardiomyopathy 1G; Autosomal recessive limb-girdle muscular dystrophy type 2J. Last evaluated: 2026-01-18. Review status: criteria provided, single submitter. Criteria: Invitae Variant Classification Sherloc (09022015). Collection method: clinical testing. Allele origin: germline.

PreventionGenetics, part of Exact Sciences
Classification: Likely benign for TTN-related condition. Last evaluated: 2025-04-17. Review status: criteria provided, single submitter. Criteria: ACMG Guidelines, 2015. Collection method: clinical testing. Allele origin: germline.
Comment: This variant is classified as likely benign based on ACMG/AMP sequence variant interpretation guidelines (Richards et al. 2015 PMID: 25741868, with internal and published modifications).

Ambry Genetics
Classification: Likely benign for Cardiovascular phenotype. Last evaluated: 2024-12-28. Review status: criteria provided, single submitter. Criteria: Ambry Variant Classification Scheme 2023. Collection method: clinical testing. Allele origin: germline.

Blueprint Genetics
Classification: Likely benign. Last evaluated: 2024-10-11. Review status: criteria provided, single submitter. Criteria: ACMG Guidelines, 2015. Collection method: clinical testing. Allele origin: germline.

GeneDx
Classification: Likely benign. Last evaluated: 2018-06-18. Review status: criteria provided, single submitter. Criteria: GeneDx Variant Classification (06012015). Collection method: clinical testing. Allele origin: germline. Affected: yes.
Comment: This variant is considered likely benign or benign based on one or more of the following criteria: it is a conservative change, it occurs at a poorly conserved position in the protein, it is predicted to be benign by multiple in silico algorithms, and/or has population frequency not consistent with disease.

Illumina Laboratory Services, Illumina
Classification: Uncertain significance for Dilated cardiomyopathy 1G. Last evaluated: 2018-01-13. Review status: criteria provided, single submitter. Criteria: ICSL Variant Classification Criteria 13 December 2019. Collection method: clinical testing. Allele origin: germline.

Illumina Laboratory Services, Illumina
Classification: Benign for Myopathy, myofibrillar, 9, with early respiratory failure. Last evaluated: 2018-01-13. Review status: criteria provided, single submitter. Criteria: ICSL Variant Classification Criteria 13 December 2019. Collection method: clinical testing. Allele origin: germline.
Comment: This variant was observed in the ICSL laboratory as part of a predisposition screen in an ostensibly healthy population. It had not been previously curated by ICSL or reported in the Human Gene Mutation Database (HGMD: prior to June 1st, 2018), and was therefore a candidate for classification through an automated scoring system. Utilizing variant allele frequency, disease prevalence and penetrance estimates, and inheritance mode, an automated score was calculated to assess if this variant is too frequent to cause the disease. Based on the score and internal cut-off values, a variant classified as benign is not then subjected to further curation. The score for this variant resulted in a classification of benign for this disease.

Illumina Laboratory Services, Illumina
Classification: Benign for Tibial muscular dystrophy. Last evaluated: 2018-01-13. Review status: criteria provided, single submitter. Criteria: ICSL Variant Classification Criteria 13 December 2019. Collection method: clinical testing. Allele origin: germline.
Comment: the same text as in the submission from Illumina Laboratory Services, Illumina above.

Illumina Laboratory Services, Illumina
Classification: Uncertain significance for Autosomal recessive limb-girdle muscular dystrophy type 2J. Last evaluated: 2018-01-13. Review status: criteria provided, single submitter. Criteria: ICSL Variant Classification Criteria 13 December 2019. Collection method: clinical testing. Allele origin: germline.

Illumina Laboratory Services, Illumina
Classification: Uncertain significance for Early-onset myopathy with fatal cardiomyopathy. Last evaluated: 2018-01-13. Review status: criteria provided, single submitter. Criteria: ICSL Variant Classification Criteria 13 December 2019. Collection method: clinical testing. Allele origin: germline.

CeGaT Center for Human Genetics Tuebingen
Classification: Uncertain significance. Last evaluated: 2017-07-01. Review status: criteria provided, single submitter. Criteria: CeGaT Center For Human Genetics Tuebingen Variant Classification Criteria Version 2. Collection method: clinical testing. Allele origin: germline. Affected: yes. Observed: 1 variant allele.

Laboratory for Molecular Medicine, Mass General Brigham Personalized Medicine
Classification: Likely benign. Last evaluated: 2016-10-25. Review status: criteria provided, single submitter. Criteria: LMM Criteria. Collection method: clinical testing. Allele origin: germline. Observed: 1 variant allele.
Comment: p.Asp31760Asp in exon 307 of TTN: This variant is not expected to have clinical significance because it does not alter an amino acid residue and is not located within the splice consensus sequence. It has been identified in 7/120604 Panethn ic chromosomes by the Exome Aggregation Consortium (ExAC; dbSNP rs541125667).

Clinical Genetics DNA and cytogenetics Diagnostics Lab, Erasmus MC, Erasmus Medical Center
Classification: Likely benign. Review status: no assertion criteria provided. Collection method: clinical testing. Allele origin: germline. Affected: yes. Study: VKGL Data-share Consensus. Not counted in ClinVar's aggregate classification.

Diagnostic Laboratory, Department of Genetics, University Medical Center Groningen
Classification: Likely benign. Review status: no assertion criteria provided. Collection method: clinical testing. Allele origin: germline. Affected: yes. Study: VKGL Data-share Consensus. Not counted in ClinVar's aggregate classification.

Genome Diagnostics Laboratory, University Medical Center Utrecht
Classification: Likely benign. Review status: no assertion criteria provided. Collection method: clinical testing. Allele origin: germline. Affected: yes. Study: VKGL Data-share Consensus. Not counted in ClinVar's aggregate classification.

Joint Genome Diagnostic Labs from Nijmegen and Maastricht, Radboudumc and MUMC+
Classification: Likely benign. Review status: no assertion criteria provided. Collection method: clinical testing. Allele origin: germline. Affected: yes. Study: VKGL Data-share Consensus. Not counted in ClinVar's aggregate classification.

NM_001267550.2(TTN):c.102984C>T (p.Asp34328=)

Genes: TTN (titin; minus strand), TTN-AS1 (TTN antisense RNA 1; plus strand). Cytogenetic location: 2q31.2.
Variant type: single nucleotide variant.
Coding change: c.102984C>T on transcript NM_001267550.2 (MANE Select); coding-DNA position 102984, C replaced by T.
Protein change: p.Asp34328=; no amino-acid change (aspartic acid 34328 retained).
Molecular consequence: synonymous variant.
Genome position (GRCh38, 1-based): chr2:178,533,631, G>A on the plus strand (C>T on the coding strand, the complement: TTN is on the minus strand). VCF-style: chr2-178533631-G-A. GRCh37 (hg19) VCF-style: chr2-179398358-G-A.
Other names: c.98061C>T, p.Asp32687= (NM_001256850.1); c.95280C>T, p.Asp31760= (NM_133378.4); c.75789C>T, p.Asp25263= (NM_003319.4); c.76164C>T, p.Asp25388= (NM_133432.3); c.76365C>T, p.Asp25455= (NM_133437.4).
Identifiers: ClinVar variation 332697 (VCV000332697.67), dbSNP rs541125667, ClinGen allele CA1985672.